The following is an entry in ClinVar:

ClinVar aggregate classification (germline): Pathogenic. Review status: criteria provided, multiple submitters, no conflicts (2 of 4 stars). 2 submissions from 2 submitters: Pathogenic (2). Last evaluated 2019-03-28.

Conditions:
Autosomal recessive limb-girdle muscular dystrophy type 2A (LGMDR1). Also called: LEYDEN-MOEBIUS MUSCULAR DYSTROPHY; MUSCULAR DYSTROPHY, PELVOFEMORAL; Limb-girdle muscular dystrophy, type 2A; Calpainopathy; Muscular dystrophy, limb-girdle, type 2A, Amish. Identifiers: Orphanet 267, MedGen C1869123, MONDO:0009675, OMIM 253600. Disease mechanism: loss of function.

Submissions (2):

Labcorp Genetics (formerly Invitae), Labcorp
Classification: Pathogenic for Autosomal recessive limb-girdle muscular dystrophy type 2A. Last evaluated: 2019-03-28. Review status: criteria provided, single submitter. Criteria: Invitae Variant Classification Sherloc (09022015). Collection method: clinical testing. Allele origin: germline.
Comment: For these reasons, this variant has been classified as Pathogenic. Loss-of-function variants in CAPN3 are known to be pathogenic (PMID: 10330340, 15689361). This sequence change creates a premature translational stop signal (p.Ile266Leufs*7) in the CAPN3 gene. It is expected to result in an absent or disrupted protein product. This variant is not present in population databases (ExAC no frequency). This variant has not been reported in the literature in individuals with CAPN3-related conditions.

Kariminejad - Najmabadi Pathology & Genetics Center
Classification: Pathogenic for Autosomal recessive limb-girdle muscular dystrophy type 2A. Review status: criteria provided, single submitter. Criteria: ACMG Guidelines, 2015. Collection method: clinical testing. Allele origin: germline. Affected: no.

Literature cited by the submitters: PubMed 10330340 (cited by Labcorp Genetics (formerly Invitae), Labcorp); PubMed 15689361 (cited by Labcorp Genetics (formerly Invitae), Labcorp).

NM_000070.3(CAPN3):c.796del (p.Ile266fs)

Gene: CAPN3 (calpain 3; plus strand). Cytogenetic location: 15q15.1.
Variant type: Deletion.
Coding change: c.796del on transcript NM_000070.3 (MANE Select); coding-DNA position 796, one base deleted (A; older notation c.796delA).
Protein change: p.Ile266fs; shifts the reading frame from isoleucine 266.
Molecular consequence: frameshift variant.
Genome position (GRCh38, 1-based): chr15:42,389,091, A deleted. VCF-style (leftmost placement, unchanged base first): chr15-42389090-CA-C. GRCh37 (hg19) VCF-style: chr15-42681288-CA-C.
Other names: c.796del, p.Ile266fs (NM_024344.2, NM_173087.2); short protein forms I266fs.
Identifiers: ClinVar variation 850654 (VCV000850654.9), dbSNP rs2053485642, ClinGen allele CA916083413.